The following is an entry in ClinVar:

NM_004727.3(SLC24A1):c.*37A>C

Gene: SLC24A1 (solute carrier family 24 member 1; plus strand). Cytogenetic location: 15q22.31.
Variant type: single nucleotide variant.
Coding change: c.*37A>C on transcript NM_004727.3 (MANE Select); 37 bases downstream of the stop codon, A replaced by C.
Molecular consequence: 3 prime UTR variant. On other transcripts: intron variant (1).
Genome position (GRCh38, 1-based): chr15:65,654,116, A>C. VCF-style: chr15-65654116-A-C. GRCh37 (hg19) VCF-style: chr15-65946454-A-C.
Other names: c.*37A>C (NM_001254740.2, NM_001301031.1, NM_001301032.1); c.2996+1308A>C (NM_001301033.2).
Identifiers: ClinVar variation 887767 (VCV000887767.4), dbSNP rs73470085, ClinGen allele CA7620356.

ClinVar aggregate classification (germline): Likely benign (1 of 4 stars; one submission).

Conditions:
Congenital stationary night blindness 1D. Also called: Night blindness, congenital stationary (complete), 1D, autosomal recessive. Identifiers: Orphanet 215, MedGen C3151193, MONDO:0013450, OMIM 613830.

Allele frequency attached by ClinVar (database versions not stated): gnomAD exomes 0.00030 and 0.00074; ExAC 0.00090; 1000 Genomes Project 0.00300; gnomAD 0.00311 and 0.00333; TOPMed 0.00317; ESP Exome Variant Server 0.00320; 1000 Genomes Project 30x 0.00328.

Submission:

Illumina Laboratory Services, Illumina
Classification: Likely benign for Congenital stationary night blindness 1D. Last evaluated: 2018-01-13. Review status: criteria provided, single submitter. Criteria: ICSL Variant Classification Criteria 13 December 2019. Collection method: clinical testing. Allele origin: germline.
Comment: This variant was observed in the ICSL laboratory as part of a predisposition screen in an ostensibly healthy population. It had not been previously curated by ICSL or reported in the Human Gene Mutation Database (HGMD: prior to June 1st, 2018), and was therefore a candidate for classification through an automated scoring system. Utilizing variant allele frequency, disease prevalence and penetrance estimates, and inheritance mode, an automated score was calculated to assess if this variant is too frequent to cause the disease. Based on the score and internal cut-off values, a variant classified as likely benign is not then subjected to further curation. The score for this variant resulted in a classification of likely benign for this disease.